The following is an entry in ClinVar:

ClinVar aggregate classification (germline): Likely pathogenic (1 of 4 stars; one submission).

Conditions:
Wilson disease (WND). Also called: Wilson's disease. Identifiers: Orphanet 905, MedGen C0019202, MONDO:0010200, OMIM 277900. Disease mechanism: loss of function.

Submission:

Myriad Genetics, Inc.
Classification: Likely pathogenic for Wilson disease. Last evaluated: 2021-12-27. Review status: criteria provided, single submitter. Criteria: Myriad Women's Health Autosomal Recessive and X-Linked Classification Criteria (2021). Collection method: clinical testing. Allele origin: unknown.
Comment: NM_000053.3(ATP7B):c.1465A>T(K489*) is expected to be pathogenic in the context of Wilson disease. This variant is predicted to lead to an abnormal or absent protein product due to the creation of a premature termination codon in ATP7B, a gene where loss-of-function variants are known to be pathogenic. Please note: this variant was assessed in the context of healthy population screening.

NM_000053.4(ATP7B):c.1465A>T (p.Lys489Ter)

Gene: ATP7B (ATPase copper transporting beta; minus strand). Cytogenetic location: 13q14.3.
Variant type: single nucleotide variant.
Coding change: c.1465A>T on transcript NM_000053.4 (MANE Select); coding-DNA position 1465, A replaced by T.
Protein change: p.Lys489Ter; replaces lysine 489 with a stop codon.
Molecular consequence: nonsense.
Genome position (GRCh38, 1-based): chr13:51,970,570, T>A on the plus strand (A>T on the coding strand, the complement: ATP7B is on the minus strand). VCF-style: chr13-51970570-T-A. GRCh37 (hg19) VCF-style: chr13-52544706-T-A.
Other names: c.1465A>T, p.Lys489Ter (NM_001005918.3, NM_001330578.2, NM_001330579.2 and 28 more transcripts); c.1132A>T, p.Lys378Ter (NM_001243182.2); c.1369A>T, p.Lys457Ter (NM_001406517.1, NM_001406518.1, NM_001406543.1 and 3 more transcripts); c.1036A>T, p.Lys346Ter (NM_001406539.1); short protein forms K346*, K378*, K457*, K489*.
Identifiers: ClinVar variation 1726592 (VCV001726592.2), dbSNP rs2547793475, ClinGen allele CA388035542.
Genomic context (GRCh38, chr13:51,970,570, plus strand): 5'-TCCTTTCTATGTTAGACACACAGGATGCACAGGTCATGCCTTTGATCTGTAAGAAGCACT[T>A]CTGCGGTGCCACTGCTCTGGTTGATTGTGGGGACTTTGCCAAGATGTCCGGGGCATGGTT-3'